The following is an entry in ClinVar:

ClinVar aggregate classification (germline): Uncertain significance. Review status: criteria provided, multiple submitters, no conflicts (2 of 4 stars). 2 submissions from 2 submitters: Uncertain significance (2). Last evaluated 2025-07-15.

gnomAD v4.1: 19 of 1,558,686 alleles (0.0012%); highest among the groups gnomAD compares: Non-Finnish European, 0.0013%; no homozygotes.

Submissions (2):

Labcorp Genetics (formerly Invitae), Labcorp
Classification: Uncertain significance. Last evaluated: 2025-07-15. Review status: criteria provided, single submitter. Criteria: Invitae Variant Classification Sherloc (09022015). Collection method: clinical testing. Allele origin: germline.
Comment: This sequence change replaces proline, which is neutral and non-polar, with leucine, which is neutral and non-polar, at codon 638 of the NLGN2 protein (p.Pro638Leu). This variant is present in population databases (rs368710674, gnomAD 0.007%). This variant has not been reported in the literature in individuals affected with NLGN2-related conditions. ClinVar contains an entry for this variant (Variation ID: 3879815). An algorithm developed to predict the effect of missense changes on protein structure and function (PolyPhen-2) suggests that this variant is likely to be tolerated. In summary, the available evidence is currently insufficient to determine the role of this variant in disease. Therefore, it has been classified as a Variant of Uncertain Significance.

Ambry Genetics
Classification: Uncertain significance. Last evaluated: 2025-01-28. Review status: criteria provided, single submitter. Criteria: Ambry Variant Classification Scheme 2023. Collection method: clinical testing. Allele origin: germline.

NM_020795.4(NLGN2):c.1913C>T (p.Pro638Leu)

Gene: NLGN2 (neuroligin 2; plus strand). Cytogenetic location: 17p13.1.
Variant type: single nucleotide variant.
Coding change: c.1913C>T on transcript NM_020795.4 (MANE Select); coding-DNA position 1913, C replaced by T.
Protein change: p.Pro638Leu; replaces proline 638 with leucine.
Molecular consequence: missense variant.
Genome position (GRCh38, 1-based): chr17:7,417,204, C>T. VCF-style: chr17-7417204-C-T. GRCh37 (hg19) VCF-style: chr17-7320523-C-T.
Other names: short protein forms P638L.
Identifiers: ClinVar variation 3879815 (VCV003879815.2).
Genomic context (GRCh38, chr17:7,417,204, plus strand): 5'-CCACCACGCGCCTGCCTCCCTACGCCACGCGCTGGCCGCCTCGTCCCCCCGCTGGCGCCC[C>T]GGGCACACGCCGGCCCCCGCCGCCTGCCACCCTGCCTCCCGAGCCCGAGCCCGAGCCCGG-3'
Protein context (NP_065846.1, residues 628-648): RWPPRPPAGA[Pro638Leu]GTRRPPPPAT